The following is an entry in ClinVar:

ClinVar aggregate classification (germline): Pathogenic. Review status: criteria provided, multiple submitters, no conflicts (2 of 4 stars). 3 submissions from 3 submitters: Pathogenic (2). 1 of the submissions does not count toward it. Last evaluated 2022-12-06.

Conditions:
Inborn genetic diseases. Identifiers: MedGen C0950123, MeSH D030342.
Amyotrophic lateral sclerosis type 16. Also called: AMYOTROPHIC LATERAL SCLEROSIS 16, JUVENILE. Identifiers: Orphanet 300605, MedGen C3280587, MONDO:0013715, OMIM 614373.
Autosomal recessive distal spinal muscular atrophy 2. Also called: Hereditary motor neuropathy, Jerash type; Motor neuropathy, distal, Jerash type; NEUROPATHY, DISTAL HEREDITARY MOTOR, AUTOSOMAL RECESSIVE 2; SPINAL MUSCULAR ATROPHY, JERASH TYPE; NEURONOPATHY, DISTAL HEREDITARY MOTOR, JERASH TYPE; NEUROPATHY, DISTAL HEREDITARY MOTOR, JERASH TYPE. Identifiers: Orphanet 139552, MedGen C1854023, MONDO:0011585, OMIM 605726.

Submissions (3):

Labcorp Genetics (formerly Invitae), Labcorp
Classification: Pathogenic for Autosomal recessive distal spinal muscular atrophy 2; Amyotrophic lateral sclerosis type 16. Last evaluated: 2022-12-06. Review status: criteria provided, single submitter. Criteria: Invitae Variant Classification Sherloc (09022015). Collection method: clinical testing. Allele origin: germline.
Comment: ClinVar contains an entry for this variant (Variation ID: 30238). This sequence change replaces glutamic acid, which is acidic and polar, with glutamine, which is neutral and polar, at codon 102 of the SIGMAR1 protein (p.Glu102Gln). This variant is not present in population databases (gnomAD no frequency). This missense change has been observed in individual(s) with juvenile amyotrophic lateral sclerosis (PMID: 21842496). It has also been observed to segregate with disease in related individuals. Algorithms developed to predict the effect of missense changes on protein structure and function are either unavailable or do not agree on the potential impact of this missense change (SIFT: "Tolerated"; PolyPhen-2: "Probably Damaging"; Align-GVGD: "Class C0"). Experimental studies have shown that this missense change affects SIGMAR1 function (PMID: 21842496, 25175561, 25704016, 27821430, 28622300, 31696229). For these reasons, this variant has been classified as Pathogenic.

Ambry Genetics
Classification: Pathogenic for Inborn genetic diseases. Last evaluated: 2020-12-14. Review status: criteria provided, single submitter. Criteria: Ambry Variant Classification Scheme 2023. Collection method: clinical testing. Allele origin: germline.
Comment: The p.E102Q variant (also known as c.304G>C), located in coding exon 2 of the SIGMAR1 gene, results from a G to C substitution at nucleotide position 304. The glutamic acid at codon 102 is replaced by glutamine, an amino acid with highly similar properties. In a large consanguineous family with Middle Eastern ancestry, this variant was reported in the homozygous state and found to segregate with disease in multiple relatives with juvenile amyotrophic lateral sclerosis (Al-Saif A et al. Ann Neurol, 2011 Dec;70:913-9). This variant impacts a region critical to protein function, and several functional studies demonstrate abnormal protein function including mislocalization, aggregation, impaired signaling and reduced cell survival (Al-Saif A et al. Ann Neurol, 2011 Dec;70:913-9; Fukunaga K et al. J Pharmacol Sci, 2015 Jan;127:36-41; Schmidt HR et al. Nature, 2016 Apr;532:527-30; Watanabe S et al. EMBO Mol Med, 2016 12;8:1421-1437; Dreser A et al. Cell Death Differ, 2017 10;24:1655-1671; Abramyan AM et al. Comput Struct Biotechnol J, 2020 Jan;18:199-206; Couly S et al. Hum Mol Genet, 2020 03;29:529-540; Rodr&iacute;guez-Mu&ntilde;oz M et al. Int J Mol Sci, 2020 Oct;21:7339). This variant was not reported in population-based cohorts in the Genome Aggregation Database (gnomAD). Based on the supporting evidence, this alteration is interpreted as a disease-causing mutation.

OMIM
Classification: Pathogenic for AMYOTROPHIC LATERAL SCLEROSIS 16, JUVENILE (1 family). Last evaluated: 2015-01-01. Review status: no assertion criteria provided. Collection method: literature only. Allele origin: germline. Not counted in ClinVar's aggregate classification.

Literature cited by the submitters: PubMed 21842496 (cited by 3 submitters); PubMed 25175561 (cited by Labcorp Genetics (formerly Invitae), Labcorp); PubMed 25704016 (cited by 3 submitters); PubMed 27821430 (cited by Labcorp Genetics (formerly Invitae), Labcorp and Ambry Genetics); PubMed 28622300 (cited by Labcorp Genetics (formerly Invitae), Labcorp and Ambry Genetics); PubMed 31696229 (cited by Labcorp Genetics (formerly Invitae), Labcorp and Ambry Genetics); PubMed 27042935 (cited by Ambry Genetics); PubMed 32055286 (cited by Ambry Genetics); PubMed 33020464 (cited by Ambry Genetics).

NM_005866.4(SIGMAR1):c.304G>C (p.Glu102Gln)

Gene: SIGMAR1 (sigma receptor chaperone 1; minus strand). Cytogenetic location: 9p13.3.
Variant type: single nucleotide variant.
Coding change: c.304G>C on transcript NM_005866.4 (MANE Select); coding-DNA position 304, G replaced by C.
Protein change: p.Glu102Gln; replaces glutamic acid 102 with glutamine.
Molecular consequence: missense variant. On other transcripts: synonymous variant (1).
Genome position (GRCh38, 1-based): chr9:34,637,268, C>G on the plus strand (G>C on the coding strand, the complement: SIGMAR1 is on the minus strand). VCF-style: chr9-34637268-C-G. GRCh37 (hg19) VCF-style: chr9-34637265-C-G.
Other names: c.304G>C, p.Glu102Gln (NM_001282205.2, NM_001282208.2, NM_001282209.2 and 1 more transcripts); c.51G>C, p.Pro17= (NM_001282206.2); c.244G>C, p.Glu82Gln (NM_001282207.2); short protein forms E102Q, E82Q.
Identifiers: ClinVar variation 30238 (VCV000030238.12), dbSNP rs387906829, ClinGen allele CA259767.